The following is an entry in ClinVar:

NM_000138.5(FBN1):c.1029G>A (p.Gly343=)

Genes: FBN1 (fibrillin 1; minus strand), LOC113939944 (Sharpr-MPRA regulatory region 9539; plus strand). Cytogenetic location: 15q21.1.
Variant type: single nucleotide variant.
Coding change: c.1029G>A on transcript NM_000138.5 (MANE Select); coding-DNA position 1029, G replaced by A.
Protein change: p.Gly343=; no amino-acid change (glycine 343 retained).
Molecular consequence: synonymous variant.
Genome position (GRCh38, 1-based): chr15:48,520,777, C>T on the plus strand (G>A on the coding strand, the complement: FBN1 is on the minus strand). VCF-style: chr15-48520777-C-T. GRCh37 (hg19) VCF-style: chr15-48812974-C-T.
Other names: p.G343G:GGG>GGA.
Identifiers: ClinVar variation 137299 (VCV000137299.37), dbSNP rs75655780, ClinGen allele CA011876.

ClinVar aggregate classification (germline): Benign/Likely benign. Review status: criteria provided, multiple submitters, no conflicts (2 of 4 stars). 19 submissions from 13 submitters: Benign (15); Likely benign (2). 2 of the submissions do not count toward it. Last evaluated 2026-02-02.

Conditions:
Weill-Marchesani syndrome. Also called: WM Syndrome; Mesodermal dysmorphodystrophy congenital. Identifiers: Orphanet 3449, MedGen C0265313, MONDO:0018096.
Geleophysic dysplasia. Identifiers: Orphanet 2623, MedGen C3489726, MONDO:0000127.
Marfan syndrome (MFS). Also called: FBN1-Related Marfan Syndrome; MARFAN SYNDROME, TYPE I; Marfan syndrome, classic; Marfan syndrome type 1; Marfan's syndrome. Identifiers: Orphanet 284963, Orphanet 558, MedGen C0024796, MONDO:0007947, OMIM 154700.
Familial thoracic aortic aneurysm and aortic dissection (TAAD). Also called: Thoracic aortic aneurysms and dissections. Identifiers: Orphanet 91387, MedGen C4707243, MONDO:0019625.
Acromicric dysplasia (ACMICD). Also called: Acromicric skeletal dysplasia. Identifiers: Orphanet 969, MedGen C0265287, MONDO:0007055, OMIM 102370.
Stiff skin syndrome (SSKS). Identifiers: Orphanet 2833, MedGen C1861456, MONDO:0008492, OMIM 184900.
Ectopia lentis 1, isolated, autosomal dominant (ECTOL1). Identifiers: Orphanet 1885, MedGen C3541518, MONDO:0007514, OMIM 129600.

Allele frequency attached by ClinVar (database versions not stated): ESP Exome Variant Server 0.00747; gnomAD 0.00545; 1000 Genomes Project 30x 0.00968; ExAC 0.00195; TOPMed 0.00622; 1000 Genomes Project 0.00839.
gnomAD v4.1: 1,706 of 1,614,152 alleles (0.11%); highest among the groups gnomAD compares: African/African-American, 2.1%; 9 homozygotes.

Submissions (19):

Labcorp Genetics (formerly Invitae), Labcorp
Classification: Benign for Marfan syndrome; Familial thoracic aortic aneurysm and aortic dissection. Last evaluated: 2026-02-02. Review status: criteria provided, single submitter. Criteria: Invitae Variant Classification Sherloc (09022015). Collection method: clinical testing. Allele origin: germline.

ARUP Laboratories, Molecular Genetics and Genomics, ARUP Laboratories
Classification: Benign. Last evaluated: 2025-04-27. Review status: criteria provided, single submitter. Criteria: ARUP Molecular Germline Variant Investigation Process 2024. Collection method: clinical testing. Allele origin: germline.

Molecular Diagnostic Laboratory for Inherited Cardiovascular Disease, Montreal Heart Institute
Classification: Benign. Last evaluated: 2025-04-09. Review status: criteria provided, single submitter. Criteria: ACMG Guidelines, 2015. Collection method: clinical testing. Allele origin: germline. Affected: no.

Blueprint Genetics
Classification: Likely benign. Last evaluated: 2024-11-25. Review status: criteria provided, single submitter. Criteria: ACMG Guidelines, 2015. Collection method: clinical testing. Allele origin: germline.

All of Us Research Program, National Institutes of Health
Classification: Benign for Marfan syndrome. Last evaluated: 2024-02-05. Review status: criteria provided, single submitter. Criteria: ACMG Guidelines, 2015. Collection method: clinical testing. Allele origin: germline. Inheritance: Autosomal dominant inheritance. Observed: 343 variant alleles, 338 heterozygotes, 5 homozygotes.
Comment: This study involves interpretation of variants in research participants for the purpose of population health screening. Participant phenotype was not available at the time of variant classification. Additional details can be found in publication PMID: 35346344, PMCID: PMC8962531

Color Diagnostics, LLC DBA Color Health
Classification: Benign for Familial thoracic aortic aneurysm and aortic dissection. Last evaluated: 2018-03-16. Review status: criteria provided, single submitter. Criteria: ACMG Guidelines, 2015. Collection method: clinical testing. Allele origin: germline.

Illumina Laboratory Services, Illumina
Classification: Benign for Weill-Marchesani syndrome. Last evaluated: 2018-01-13. Review status: criteria provided, single submitter. Criteria: ICSL Variant Classification Criteria 13 December 2019. Collection method: clinical testing. Allele origin: germline.
Comment: This variant was observed in the ICSL laboratory as part of a predisposition screen in an ostensibly healthy population. It had not been previously curated by ICSL or reported in the Human Gene Mutation Database (HGMD: prior to June 1st, 2018), and was therefore a candidate for classification through an automated scoring system. Utilizing variant allele frequency, disease prevalence and penetrance estimates, and inheritance mode, an automated score was calculated to assess if this variant is too frequent to cause the disease. Based on the score and internal cut-off values, a variant classified as benign is not then subjected to further curation. The score for this variant resulted in a classification of benign for this disease.

Illumina Laboratory Services, Illumina
Classification: Benign for Ectopia lentis 1, isolated, autosomal dominant. Last evaluated: 2018-01-13. Review status: criteria provided, single submitter. Criteria: ICSL Variant Classification Criteria 13 December 2019. Collection method: clinical testing. Allele origin: germline.
Comment: the same text as in the submission from Illumina Laboratory Services, Illumina above.

Illumina Laboratory Services, Illumina
Classification: Benign for Acromicric dysplasia. Last evaluated: 2018-01-13. Review status: criteria provided, single submitter. Criteria: ICSL Variant Classification Criteria 13 December 2019. Collection method: clinical testing. Allele origin: germline.
Comment: the same text as in the submission from Illumina Laboratory Services, Illumina above.

Illumina Laboratory Services, Illumina
Classification: Likely benign for Familial thoracic aortic aneurysm and aortic dissection. Last evaluated: 2018-01-13. Review status: criteria provided, single submitter. Criteria: ICSL Variant Classification Criteria 13 December 2019. Collection method: clinical testing. Allele origin: germline.
Comment: This variant was observed in the ICSL laboratory as part of a predisposition screen in an ostensibly healthy population. It had not been previously curated by ICSL or reported in the Human Gene Mutation Database (HGMD: prior to June 1st, 2018), and was therefore a candidate for classification through an automated scoring system. Utilizing variant allele frequency, disease prevalence and penetrance estimates, and inheritance mode, an automated score was calculated to assess if this variant is too frequent to cause the disease. Based on the score and internal cut-off values, a variant classified as likely benign is not then subjected to further curation. The score for this variant resulted in a classification of likely benign for this disease.

Illumina Laboratory Services, Illumina
Classification: Benign for Geleophysic dysplasia. Last evaluated: 2018-01-13. Review status: criteria provided, single submitter. Criteria: ICSL Variant Classification Criteria 13 December 2019. Collection method: clinical testing. Allele origin: germline.
Comment: the same text as in the submission from Illumina Laboratory Services, Illumina above.

Illumina Laboratory Services, Illumina
Classification: Benign for Stiff skin syndrome. Last evaluated: 2018-01-13. Review status: criteria provided, single submitter. Criteria: ICSL Variant Classification Criteria 13 December 2019. Collection method: clinical testing. Allele origin: germline.
Comment: the same text as in the submission from Illumina Laboratory Services, Illumina above.

Illumina Laboratory Services, Illumina
Classification: Benign for Marfan syndrome. Last evaluated: 2018-01-13. Review status: criteria provided, single submitter. Criteria: ICSL Variant Classification Criteria 13 December 2019. Collection method: clinical testing. Allele origin: germline.
Comment: the same text as in the submission from Illumina Laboratory Services, Illumina above.

CHEO Genetics Diagnostic Laboratory, Children's Hospital of Eastern Ontario
Classification: Benign for Familial thoracic aortic aneurysm and aortic dissection. Last evaluated: 2017-11-01. Review status: criteria provided, single submitter. Criteria: ACMG Guidelines, 2015. Collection method: clinical testing. Allele origin: germline.

Ambry Genetics
Classification: Benign for Familial thoracic aortic aneurysm and aortic dissection. Last evaluated: 2015-03-04. Review status: criteria provided, single submitter. Criteria: Ambry Variant Classification Scheme 2023. Collection method: clinical testing. Allele origin: germline.

Laboratory for Molecular Medicine, Mass General Brigham Personalized Medicine
Classification: Benign. Last evaluated: 2014-08-18. Review status: criteria provided, single submitter. Criteria: LMM Criteria. Collection method: clinical testing. Allele origin: germline. Observed: 3 variant alleles.
Comment: Gly343Gly in exon 9 of FBN1: This variant is not expected to have clinical signi ficance because it does not alter an amino acid residue, is not located within t he splice consensus sequence and has been identified in 2.2% (97/4396) of Africa n American chromosomes from a broad population by the NHLBI Exome Sequencing Pro ject (dbSNP rs75655780).

GeneDx
Classification: Benign. Last evaluated: 2014-01-18. Review status: criteria provided, single submitter. Criteria: GeneDx Variant Classification (06012015). Collection method: clinical testing. Allele origin: germline. Affected: yes.
Comment: This variant is considered likely benign or benign based on one or more of the following criteria: it is a conservative change, it occurs at a poorly conserved position in the protein, it is predicted to be benign by multiple in silico algorithms, and/or has population frequency not consistent with disease.

Genome Diagnostics Laboratory, Amsterdam University Medical Center
Classification: Benign. Review status: no assertion criteria provided. Collection method: clinical testing. Allele origin: germline. Affected: yes. Study: VKGL Data-share Consensus. Not counted in ClinVar's aggregate classification.

Laboratory of Diagnostic Genome Analysis, Leiden University Medical Center (LUMC)
Classification: Benign. Review status: no assertion criteria provided. Collection method: clinical testing. Allele origin: germline. Affected: yes. Study: VKGL Data-share Consensus. Not counted in ClinVar's aggregate classification.